The following is an entry in ClinVar:

ClinVar aggregate classification (germline): Uncertain significance (1 of 4 stars; one submission).

Conditions:
PLXNA3-related disorder. Also called: PLXNA3-related condition.

Submission:

PreventionGenetics, part of Exact Sciences
Classification: Uncertain significance for PLXNA3-related condition. Last evaluated: 2025-07-07. Review status: criteria provided, single submitter. Criteria: ACMG Guidelines, 2015. Collection method: clinical testing. Allele origin: germline.
Comment: The PLXNA3 c.3612G>T variant is predicted to result in the amino acid substitution p.Trp1204Cys. To our knowledge, this variant has not been reported in the literature or in a large population database, indicating this variant is rare. At this time, the clinical significance of this variant is uncertain due to the absence of conclusive functional and genetic evidence.

NM_017514.5(PLXNA3):c.3612G>T (p.Trp1204Cys)

Gene: PLXNA3 (plexin A3; plus strand). Cytogenetic location: Xq28.
Variant type: single nucleotide variant.
Coding change: c.3612G>T on transcript NM_017514.5 (MANE Select); coding-DNA position 3612, G replaced by T.
Protein change: p.Trp1204Cys; replaces tryptophan 1204 with cysteine.
Molecular consequence: missense variant.
Genome position (GRCh38, 1-based): chrX:154,467,793, G>T. VCF-style: chrX-154467793-G-T. GRCh37 (hg19) VCF-style: chrX-153696136-G-T.
Other names: short protein forms W1204C.
Identifiers: ClinVar variation 3352114 (VCV003352114.2).
Genomic context (GRCh38, chrX:154,467,793, plus strand): 5'-TGGTGGTCAGCTCACCTCAGGCCTGTCCCCACAGGTGCTGGTGGGTGGCCTGGAGTTCTG[G>T]CTGGGCACCCTGCACATCTCGGCAGAGCGGGCGCTGACCCTACCGGCCATGATGGGGCTG-3'
Protein context (NP_059984.3, residues 1194-1214): VMVLVGGLEF[Trp1204Cys]LGTLHISAER